The following is an entry in ClinVar:

ClinVar aggregate classification (germline): Likely pathogenic. Review status: criteria provided, single submitter (1 of 4 stars). 2 submissions from 2 submitters: Likely pathogenic (1). 1 of the submissions does not count toward it. Last evaluated 2022-11-22.

Conditions:
Malignant tumor of breast. Also called: Malignant breast neoplasm; Cancer breast. Identifiers: MedGen C0006142, MONDO:0007254. Disease mechanism: loss of function.
Lynch syndrome 4 (LYNCH4). Also called: Hereditary non-polyposis colorectal cancer, type 4; Colorectal cancer, hereditary nonpolyposis, type 4. Identifiers: Orphanet 144, MedGen C1838333, MONDO:0013699, OMIM 614337. Disease mechanism: loss of function.

Submissions (2):

Baylor Genetics
Classification: Likely pathogenic for Lynch syndrome 4. Last evaluated: 2022-11-22. Review status: criteria provided, single submitter. Criteria: ACMG Guidelines, 2015. Collection method: clinical testing. Allele origin: unknown.

Department of Pathology and Laboratory Medicine, Sinai Health System
Classification: Likely pathogenic for Malignant tumor of breast. Review status: no assertion criteria provided. Collection method: clinical testing. Allele origin: unknown. Affected: yes. Study: The Canadian Open Genetics Repository (COGR). Not counted in ClinVar's aggregate classification.
Comment: The PMS2 p.Lys804* variant was not identified in the literature nor was it identified in the dbSNP, ClinVar, COGR, Cosmic, MutDB, Mismatch Repair Genes Variant Database, or Insight Hereditary Tumors databases. The variant was not identified in the following control databases: the Exome Aggregation Consortium (August 8th 2016), or the Genome Aggregation Database (Feb 27, 2017). The c.2410A>T variant leads to a premature stop codon at position 804, which is predicted to lead to a truncated or absent protein and loss of function. Loss of function variants of the PMS2 gene are an established mechanism of disease in PMS2 associated cancers and is the type of variant expected to cause the disorder. However, this variant occurs less than 50 base pairs from the penultimate exon junction and nonsense mutations in this region may not be subjected to nonsense mediated RNA decay, although further study would be required to validate this hypothesis and it is currently not possible to determine whether or not this might influence the severity of the disorder. In summary, based on the above information the clinical significance of this variant cannot be determined with certainty at this time although we would lean towards a more pathogenic role for this variant. This variant is classified as likely pathogenic.

NM_000535.7(PMS2):c.2410A>T (p.Lys804Ter)

Gene: PMS2 (PMS1 homolog 2, mismatch repair system component; minus strand). Cytogenetic location: 7p22.1.
Variant type: single nucleotide variant.
Coding change: c.2410A>T on transcript NM_000535.7 (MANE Select); coding-DNA position 2410, A replaced by T.
Protein change: p.Lys804Ter; replaces lysine 804 with a stop codon.
Molecular consequence: nonsense. On other transcripts: non-coding transcript variant (1).
Genome position (GRCh38, 1-based): chr7:5,977,623, T>A on the plus strand (A>T on the coding strand, the complement: PMS2 is on the minus strand). VCF-style: chr7-5977623-T-A. GRCh37 (hg19) VCF-style: chr7-6017254-T-A.
Other names: c.2005A>T, p.Lys669Ter (NM_001322003.2, NM_001322004.2, NM_001322005.2); c.2254A>T, p.Lys752Ter (NM_001322006.2); c.2092A>T, p.Lys698Ter (NM_001322007.2, NM_001322008.2); c.2038A>T, p.Lys680Ter (NM_001322009.2); c.1849A>T, p.Lys617Ter (NM_001322010.2); c.1477A>T, p.Lys493Ter (NM_001322011.2, NM_001322012.2); c.1837A>T, p.Lys613Ter (NM_001322013.2); c.2443A>T, p.Lys815Ter (NM_001322014.2); and 1 more; short protein forms K493*, K613*, K617*, K669*, K680*, K698*, K701*, K752*.
Identifiers: ClinVar variation 1050136 (VCV001050136.3), dbSNP rs2128672286, ClinGen allele CA366735654.